The following is an entry in ClinVar:

ClinVar aggregate classification (germline): Uncertain significance (1 of 4 stars; one submission).

Allele frequency attached by ClinVar (database versions not stated): gnomAD exomes below 0.00001; TOPMed below 0.00001.

Submission:

Labcorp Genetics (formerly Invitae), Labcorp
Classification: Uncertain significance. Last evaluated: 2023-03-27. Review status: criteria provided, single submitter. Criteria: Invitae Variant Classification Sherloc (09022015). Collection method: clinical testing. Allele origin: germline.
Comment: This sequence change replaces serine, which is neutral and polar, with alanine, which is neutral and non-polar, at codon 738 of the RHOBTB2 protein (p.Ser738Ala). This variant is present in population databases (no rsID available, gnomAD 0.001%). In summary, the available evidence is currently insufficient to determine the role of this variant in disease. Therefore, it has been classified as a Variant of Uncertain Significance. Experimental studies and prediction algorithms are not available or were not evaluated, and the functional significance of this variant is currently unknown. ClinVar contains an entry for this variant (Variation ID: 1395544). This variant has not been reported in the literature in individuals affected with RHOBTB2-related conditions.

NM_015178.3(RHOBTB2):c.2146T>G (p.Ser716Ala)

Gene: RHOBTB2 (Rho related BTB domain containing 2; plus strand). Cytogenetic location: 8p21.3.
Variant type: single nucleotide variant.
Coding change: c.2146T>G on transcript NM_015178.3 (MANE Select); coding-DNA position 2146, T replaced by G.
Protein change: p.Ser716Ala; replaces serine 716 with alanine.
Molecular consequence: missense variant.
Genome position (GRCh38, 1-based): chr8:23,017,431, T>G. VCF-style: chr8-23017431-T-G. GRCh37 (hg19) VCF-style: chr8-22874944-T-G.
Other names: c.2212T>G, p.Ser738Ala (NM_001160036.2); c.2167T>G, p.Ser723Ala (NM_001160037.2); c.2146T>G, p.Ser716Ala (NM_001374791.1); short protein forms S723A, S738A, S716A.
Identifiers: ClinVar variation 1395544 (VCV001395544.6), dbSNP rs1411995559, ClinGen allele CA370577388.